The following is an entry in ClinVar:

ClinVar aggregate classification (germline): Uncertain significance. Review status: criteria provided, single submitter (1 of 4 stars). 2 submissions from 2 submitters: Uncertain significance (1). 1 of the submissions does not count toward it. Last evaluated 2025-08-24.

Conditions:
FAM20B-related condition.

gnomAD v4.1: 279 of 1,611,546 alleles (0.017%); highest among the groups gnomAD compares: South Asian, 0.16%; 2 homozygotes.

Submissions (2):

Ambry Genetics
Classification: Uncertain significance. Last evaluated: 2025-08-24. Review status: criteria provided, single submitter. Criteria: Ambry Variant Classification Scheme 2023. Collection method: clinical testing. Allele origin: germline.

PreventionGenetics, part of Exact Sciences
Classification: Likely benign for FAM20B-related condition. Last evaluated: 2024-04-02. Review status: no assertion criteria provided. Collection method: clinical testing. Allele origin: germline. Not counted in ClinVar's aggregate classification.
Comment: This variant is classified as likely benign based on ACMG/AMP sequence variant interpretation guidelines (Richards et al. 2015 PMID: 25741868, with internal and published modifications).

NM_014864.4(FAM20B):c.339A>G (p.Ile113Met)

Gene: FAM20B (FAM20B glycosaminoglycan xylosylkinase; plus strand). Cytogenetic location: 1q25.2.
Variant type: single nucleotide variant.
Coding change: c.339A>G on transcript NM_014864.4 (MANE Select); coding-DNA position 339, A replaced by G.
Protein change: p.Ile113Met; replaces isoleucine 113 with methionine.
Molecular consequence: missense variant.
Genome position (GRCh38, 1-based): chr1:179,044,186, A>G. VCF-style: chr1-179044186-A-G. GRCh37 (hg19) VCF-style: chr1-179013321-A-G.
Other names: c.339A>G, p.Ile113Met (NM_001324310.2, NM_001324311.2); c.339A>G (NM_014864.3); short protein forms I113M.
Identifiers: ClinVar variation 3350396 (VCV003350396.2).